The following is an entry in ClinVar:

ClinVar aggregate classification (germline): Likely pathogenic. Review status: criteria provided, multiple submitters, no conflicts (2 of 4 stars). 6 submissions from 6 submitters: Likely pathogenic (6). Last evaluated 2026-07-22.

Conditions:
Aminoglycoside-induced deafness. Also called: MT-RNR1-Related Hearing Loss and Deafness; DEAFNESS, STREPTOMYCIN-INDUCED; STREPTOMYCIN OTOTOXICITY. Identifiers: Orphanet 168609, MedGen C1838854, MONDO:0010799, OMIM 580000.
Acute infantile liver failure due to synthesis defect of mtDNA-encoded proteins. Also called: LIVER FAILURE, INFANTILE, TRANSIENT; Liver failure acute infantile; TRMU Deficiency. Identifiers: Orphanet 217371, MedGen C3278664, MONDO:0013111, OMIM 613070.
TRMU-related disorder. Also called: TRMU-related condition.

Allele frequency attached by ClinVar (database versions not stated): ExAC 0.00001; gnomAD 0.00001; gnomAD exomes 0.00001 and below 0.00001; TOPMed below 0.00001.
gnomAD v4.1: 12 of 1,614,086 alleles (0.00074%); highest among the groups gnomAD compares: Non-Finnish European, 0.001%; no homozygotes.

Submissions (6):

PreventionGenetics, part of Exact Sciences
Classification: Likely pathogenic for TRMU-related condition. Last evaluated: 2026-07-22. Review status: criteria provided, single submitter. Criteria: ACMG Guidelines, 2015. Collection method: clinical testing. Allele origin: germline.
Comment: The TRMU c.83-2A>G variant is predicted to disrupt the AG splice acceptor site and interfere with normal splicing. To our knowledge, this variant has not been reported in the literature. This variant is reported in 0.00088% of alleles in individuals of European (Non-Finnish) descent in gnomAD. Variants that disrupt the consensus splice acceptor site in TRMU are expected to be pathogenic. This variant is interpreted as likely pathogenic.

Myriad Genetics, Inc.
Classification: Likely pathogenic for Acute infantile liver failure due to synthesis defect of mtDNA-encoded proteins. Last evaluated: 2026-04-30. Review status: criteria provided, single submitter. Criteria: Myriad Autosomal Dominant, Autosomal Recessive and X-Linked Classification Criteria (2023). Collection method: clinical testing. Allele origin: unknown.
Comment: NM_018006.4(TRMU):c.83-2A>G is a variant in a canonical splice site classified as likely pathogenic in the context of acute liver failure, TRMU-related. c.83-2A>G has not been observed in cases with relevant disease. Relevant functional assessments of this variant are not available in the literature. c.83-2A>G has been observed in referenced population frequency databases. In summary, NM_018006.4(TRMU):c.83-2A>G is a variant in a canonical splice site in a gene where loss of function is a known mechanism of disease and is predicted to disrupt protein function. Please note: this variant was assessed in the context of healthy population screening.

Natera, Inc.
Classification: Likely pathogenic for Acute infantile liver failure due to synthesis defect of mtDNA-encoded proteins. Last evaluated: 2025-03-10. Review status: criteria provided, single submitter. Criteria: Natera Variant Classification Schema (03/2026). Collection method: clinical testing. Allele origin: germline.
Comment: The c.83-2A>G variant in TRMU is a canonical splice acceptor site variant predicted to affect pre-mRNA splicing, which may result in an abnormal transcript and altered protein product. This variant is expected to result in nonsense mediated decay, truncation, or a dysfunctional protein product. This variant is rare in the general population with a frequency below the threshold expected for the associated phenotype(s). Given the available evidence, this variant is classified as Likely Pathogenic.

Fulgent Genetics
Classification: Likely pathogenic for Aminoglycoside-induced deafness; Acute infantile liver failure due to synthesis defect of mtDNA-encoded proteins. Last evaluated: 2024-04-29. Review status: criteria provided, single submitter. Criteria: ACMG Guidelines, 2015. Collection method: clinical testing. Allele origin: germline.

Baylor Genetics
Classification: Likely pathogenic for Aminoglycoside-induced deafness. Last evaluated: 2023-03-29. Review status: criteria provided, single submitter. Criteria: ACMG Guidelines, 2015. Collection method: clinical testing. Allele origin: unknown.

Labcorp Genetics (formerly Invitae), Labcorp
Classification: Likely pathogenic. Last evaluated: 2023-01-04. Review status: criteria provided, single submitter. Criteria: Invitae Variant Classification Sherloc (09022015). Collection method: clinical testing. Allele origin: germline.
Comment: In summary, the currently available evidence indicates that the variant is pathogenic, but additional data are needed to prove that conclusively. Therefore, this variant has been classified as Likely Pathogenic. Algorithms developed to predict the effect of sequence changes on RNA splicing suggest that this variant may disrupt the consensus splice site. ClinVar contains an entry for this variant (Variation ID: 656119). This variant has not been reported in the literature in individuals affected with TRMU-related conditions. This variant is present in population databases (rs747853875, gnomAD 0.0009%). This sequence change affects an acceptor splice site in intron 1 of the TRMU gene. It is expected to disrupt RNA splicing. Variants that disrupt the donor or acceptor splice site typically lead to a loss of protein function (PMID: 16199547), and loss-of-function variants in TRMU are known to be pathogenic (PMID: 19732863, 23625533).

Literature cited by the submitters: PubMed 16199547 (cited by Labcorp Genetics (formerly Invitae), Labcorp); PubMed 19732863 (cited by Labcorp Genetics (formerly Invitae), Labcorp); PubMed 23625533 (cited by Labcorp Genetics (formerly Invitae), Labcorp).

NM_018006.5(TRMU):c.83-2A>G

Gene: TRMU (tRNA mitochondrial 2-thiouridylase; plus strand). Cytogenetic location: 22q13.31.
Variant type: single nucleotide variant.
Coding change: c.83-2A>G on transcript NM_018006.5 (MANE Select); the canonical splice acceptor site of the intron before coding-DNA position 83, A replaced by G.
Molecular consequence: splice acceptor variant.
Genome position (GRCh38, 1-based): chr22:46,337,777, A>G. VCF-style: chr22-46337777-A-G. GRCh37 (hg19) VCF-style: chr22-46733674-A-G.
Other names: c.83-2A>G (NM_001282785.2); c.-153-2A>G (NM_001282782.2); c.-172-2A>G (NM_001282783.2, NM_001282784.2).
Identifiers: ClinVar variation 656119 (VCV000656119.11), dbSNP rs747853875, ClinGen allele CA10291948.